The following is an entry in ClinVar:

NM_014028.4(OSTM1):c.61G>T (p.Gly21Trp)

Genes: OSTM1 (osteoclastogenesis associated transmembrane protein 1; minus strand), LOC129996933 (ATAC-STARR-seq lymphoblastoid silent region 17446; plus strand). Cytogenetic location: 6q21.
Variant type: single nucleotide variant.
Coding change: c.61G>T on transcript NM_014028.4 (MANE Select); coding-DNA position 61, G replaced by T.
Protein change: p.Gly21Trp; replaces glycine 21 with tryptophan.
Molecular consequence: missense variant.
Genome position (GRCh38, 1-based): chr6:108,074,591, C>A on the plus strand (G>T on the coding strand, the complement: OSTM1 is on the minus strand). VCF-style: chr6-108074591-C-A. GRCh37 (hg19) VCF-style: chr6-108395795-C-A.
Other names: short protein forms G21W.
Identifiers: ClinVar variation 1427628 (VCV001427628.7), dbSNP rs1772557662, ClinGen allele CA365331438.
Genomic context (GRCh38, chr6:108,074,591, plus strand): 5'-TGTGCGGACTGCTGCCGAAGGGGAGCGCGCCCAGGGCCAGCCCCGACCACAGCAGCAGCC[C>A]CAGCGGCAGCCACGGCGGCAACGAACACCTCCGCTGCGCGGCTGTCGGGCCCGGCTCCAT-3'
Protein context (NP_054747.2, residues 11-31): RCSLPPWLPL[Gly21Trp]LLLWSGLALG

ClinVar aggregate classification (germline): Uncertain significance (1 of 4 stars; one submission).

Allele frequency attached by ClinVar (database versions not stated): gnomAD exomes below 0.00001.
gnomAD v4.1: 1 of 1,565,168 alleles (0.000064%); highest among the groups gnomAD compares: Non-Finnish European, 0.000086%; no homozygotes.

Submission:

Labcorp Genetics (formerly Invitae), Labcorp
Classification: Uncertain significance. Last evaluated: 2024-02-19. Review status: criteria provided, single submitter. Criteria: Invitae Variant Classification Sherloc (09022015). Collection method: clinical testing. Allele origin: germline.
Comment: This sequence change replaces glycine, which is neutral and non-polar, with tryptophan, which is neutral and slightly polar, at codon 21 of the OSTM1 protein (p.Gly21Trp). This variant is not present in population databases (gnomAD no frequency). This variant has not been reported in the literature in individuals affected with OSTM1-related conditions. ClinVar contains an entry for this variant (Variation ID: 1427628). An algorithm developed to predict the effect of missense changes on protein structure and function (PolyPhen-2) suggests that this variant is likely to be tolerated. In summary, the available evidence is currently insufficient to determine the role of this variant in disease. Therefore, it has been classified as a Variant of Uncertain Significance.